The following is an entry in ClinVar:

ClinVar aggregate classification (germline): Uncertain significance. Review status: criteria provided, multiple submitters, no conflicts (2 of 4 stars). 2 submissions from 2 submitters: Uncertain significance (2). Last evaluated 2026-08-01.

Conditions:
Early-infantile DEE. Also called: Early infantile epileptic encephalopathy; Ohtahara syndrome; Early infantile epileptic encephalopathy with suppression bursts. Identifiers: Orphanet 1934, MedGen C0393706, MONDO:0800491.

Allele frequency attached by ClinVar (database versions not stated): gnomAD exomes below 0.00001 and 0.00001; TOPMed below 0.00001; gnomAD 0.00001; ExAC 0.00002; ESP Exome Variant Server 0.00008.
gnomAD v4.1: 6 of 1,585,626 alleles (0.00038%); highest among the groups gnomAD compares: Non-Finnish European, 0.00043%; no homozygotes.

Submissions (2):

CeGaT Center for Human Genetics Tuebingen
Classification: Uncertain significance. Last evaluated: 2026-08-01. Review status: criteria provided, single submitter. Criteria: CeGaT Center For Human Genetics Tuebingen Variant Classification Criteria Version 2. Collection method: clinical testing. Allele origin: germline. Affected: yes. Observed: 1 variant allele.

Labcorp Genetics (formerly Invitae), Labcorp
Classification: Uncertain significance for Early-infantile DEE. Last evaluated: 2024-07-20. Review status: criteria provided, single submitter. Criteria: Invitae Variant Classification Sherloc (09022015). Collection method: clinical testing. Allele origin: germline.
Comment: This sequence change replaces arginine, which is basic and polar, with threonine, which is neutral and polar, at codon 99 of the SCN8A protein (p.Arg99Thr). This variant is present in population databases (rs370578497, gnomAD 0.003%). This variant has not been reported in the literature in individuals affected with SCN8A-related conditions. ClinVar contains an entry for this variant (Variation ID: 936498). Advanced modeling of protein sequence and biophysical properties (such as structural, functional, and spatial information, amino acid conservation, physicochemical variation, residue mobility, and thermodynamic stability) performed at Invitae indicates that this missense variant is not expected to disrupt SCN8A protein function with a negative predictive value of 95%. In summary, the available evidence is currently insufficient to determine the role of this variant in disease. Therefore, it has been classified as a Variant of Uncertain Significance.

NM_001330260.2(SCN8A):c.296G>C (p.Arg99Thr)

Gene: SCN8A (sodium voltage-gated channel alpha subunit 8; plus strand). Cytogenetic location: 12q13.13.
Variant type: single nucleotide variant.
Coding change: c.296G>C on transcript NM_001330260.2 (MANE Select); coding-DNA position 296, G replaced by C.
Protein change: p.Arg99Thr; replaces arginine 99 with threonine.
Molecular consequence: missense variant.
Genome position (GRCh38, 1-based): chr12:51,684,193, G>C. VCF-style: chr12-51684193-G-C. GRCh37 (hg19) VCF-style: chr12-52077977-G-C.
Other names: c.296G>C, p.Arg99Thr (NM_001177984.3, NM_001369788.1, NM_014191.4); short protein forms R99T.
Identifiers: ClinVar variation 936498 (VCV000936498.11), dbSNP rs370578497, ClinGen allele CA6571037.
Genomic context (GRCh38, chr12:51,684,193, plus strand): 5'-ACCCATGCTTTAATAATTTCTCTCTCTTTCTTTCTCCACAGACCTTTGTAGTATTAAACA[G>C]AGGGAAAACTCTCTTCAGATTTAGTGCCACGCCTGCCTTGTACATTTTAAGTCCTTTTAA-3'
Protein context (NP_001317189.1, residues 89-109): LTQKTFVVLN[Arg99Thr]GKTLFRFSAT